The following is an entry in ClinVar:

NM_001457.4(FLNB):c.5043G>A (p.Pro1681=)

Gene: FLNB (filamin B; plus strand). Cytogenetic location: 3p14.3.
Variant type: single nucleotide variant.
Coding change: c.5043G>A on transcript NM_001457.4 (MANE Select); coding-DNA position 5043, G replaced by A.
Protein change: p.Pro1681=; no amino-acid change (proline 1681 retained).
Molecular consequence: synonymous variant.
Genome position (GRCh38, 1-based): chr3:58,138,463, G>A. VCF-style: chr3-58138463-G-A. GRCh37 (hg19) VCF-style: chr3-58124190-G-A.
Other names: c.5043G>A (NM_001457.3); c.5136G>A, p.Pro1712= (NM_001164317.2); c.5043G>A, p.Pro1681= (NM_001164318.2, NM_001164319.2).
Identifiers: ClinVar variation 281448 (VCV000281448.11), dbSNP rs886042162, ClinGen allele CA10603882.

ClinVar aggregate classification (germline): Conflicting classifications of pathogenicity. Review status: criteria provided, conflicting classifications (1 of 4 stars). 3 submissions from 3 submitters: Uncertain significance (1); Likely benign (1). 1 of the submissions does not count toward it. Last evaluated 2025-02-15.

Conditions:
FLNB-related disorder. Also called: FLNB-related disorders; FLNB-related condition. Identifiers: MedGen CN381095.

Allele frequency attached by ClinVar (database versions not stated): gnomAD exomes 0.00001 and 0.00002; TOPMed 0.00001.
gnomAD v4.1: 25 of 1,614,146 alleles (0.0015%); highest among the groups gnomAD compares: Middle Eastern, 0.033%; no homozygotes.

Submissions (3):

Labcorp Genetics (formerly Invitae), Labcorp
Classification: Likely benign. Last evaluated: 2025-02-15. Review status: criteria provided, single submitter. Criteria: Invitae Variant Classification Sherloc (09022015). Collection method: clinical testing. Allele origin: germline.

Eurofins Ntd Llc (ga)
Classification: Uncertain significance. Last evaluated: 2015-06-18. Review status: criteria provided, single submitter. Criteria: EGL Classification Definitions 2015. Collection method: clinical testing. Allele origin: germline. Observed: 1 variant allele, 1 heterozygote.

PreventionGenetics, part of Exact Sciences
Classification: Likely benign for FLNB-related condition. Last evaluated: 2019-04-15. Review status: no assertion criteria provided. Collection method: clinical testing. Allele origin: germline. Not counted in ClinVar's aggregate classification.
Comment: This variant is classified as likely benign based on ACMG/AMP sequence variant interpretation guidelines (Richards et al. 2015 PMID: 25741868, with internal and published modifications).